The following is an entry in ClinVar:

NM_001267052.2(UNC45B):c.2199G>C (p.Gln733His)

Gene: UNC45B (unc-45 myosin chaperone B; plus strand). Cytogenetic location: 17q12.
Variant type: single nucleotide variant.
Coding change: c.2199G>C on transcript NM_001267052.2 (MANE Select); coding-DNA position 2199, G replaced by C.
Protein change: p.Gln733His; replaces glutamine 733 with histidine.
Molecular consequence: missense variant.
Genome position (GRCh38, 1-based): chr17:35,177,554, G>C. VCF-style: chr17-35177554-G-C. GRCh37 (hg19) VCF-style: chr17-33504573-G-C.
Other names: c.2199G>C, p.Gln733His (NM_001033576.2); c.1962G>C, p.Gln654His (NM_001308281.1); c.2205G>C, p.Gln735His (NM_173167.3); short protein forms Q733H, Q735H, Q654H.
Identifiers: ClinVar variation 1929187 (VCV001929187.5), dbSNP rs867823944, ClinGen allele CA399095216.
Genomic context (GRCh38, chr17:35,177,554, plus strand): 5'-GGTGTATGAGGTGGTGCGGCCCCTTGTAAGACTCTTGGACACACAGAGGGATGGGCTTCA[G>C]AACTATGAGGCTCTCCTAGGCCTCACCAACCTGTCTGGGCGGAGTGACAAACTCCGGTGA-3'
Protein context (NP_001253981.1, residues 723-743): RLLDTQRDGL[Gln733His]NYEALLGLTN

ClinVar aggregate classification (germline): Uncertain significance (1 of 4 stars; one submission).

gnomAD v4.1: 2 of 1,564,958 alleles (0.00013%); highest among the groups gnomAD compares: Admixed American, 0.0038%; no homozygotes.

Submission:

Labcorp Genetics (formerly Invitae), Labcorp
Classification: Uncertain significance. Last evaluated: 2022-07-08. Review status: criteria provided, single submitter. Criteria: Invitae Variant Classification Sherloc (09022015). Collection method: clinical testing. Allele origin: germline.
Comment: This sequence change replaces glutamine, which is neutral and polar, with histidine, which is basic and polar, at codon 735 of the UNC45B protein (p.Gln735His). The frequency data for this variant in the population databases is considered unreliable, as metrics indicate poor data quality at this position in the gnomAD database. This variant has not been reported in the literature in individuals affected with UNC45B-related conditions. Algorithms developed to predict the effect of missense changes on protein structure and function are either unavailable or do not agree on the potential impact of this missense change (SIFT: "Deleterious"; PolyPhen-2: "Possibly Damaging"; Align-GVGD: "Class C0"). In summary, the available evidence is currently insufficient to determine the role of this variant in disease. Therefore, it has been classified as a Variant of Uncertain Significance.